The following is an entry in ClinVar:

ClinVar aggregate classification (germline): Uncertain significance (1 of 4 stars; one submission).

gnomAD v4.1: 2 of 1,536,948 alleles (0.00013%); highest among the groups gnomAD compares: Non-Finnish European, 0.00018%; no homozygotes.

Submission:

Labcorp Genetics (formerly Invitae), Labcorp
Classification: Uncertain significance. Last evaluated: 2025-11-15. Review status: criteria provided, single submitter. Criteria: Invitae Variant Classification Sherloc (09022015). Collection method: clinical testing. Allele origin: germline.
Comment: This sequence change replaces glutamine, which is neutral and polar, with arginine, which is basic and polar, at codon 48 of the PBX1 protein (p.Gln48Arg). This variant is not present in population databases (gnomAD no frequency). This variant has not been reported in the literature in individuals affected with PBX1-related conditions. Invitae Evidence Modeling of protein sequence and biophysical properties (such as structural, functional, and spatial information, amino acid conservation, physicochemical variation, residue mobility, and thermodynamic stability) indicates that this missense variant is expected to disrupt PBX1 protein function with a positive predictive value of 80%. In summary, the available evidence is currently insufficient to determine the role of this variant in disease. Therefore, it has been classified as a Variant of Uncertain Significance.

NM_002585.4(PBX1):c.143A>G (p.Gln48Arg)

Gene: PBX1 (PBX homeobox 1; plus strand). Cytogenetic location: 1q23.3.
Variant type: single nucleotide variant.
Coding change: c.143A>G on transcript NM_002585.4 (MANE Select); coding-DNA position 143, A replaced by G.
Protein change: p.Gln48Arg; replaces glutamine 48 with arginine.
Molecular consequence: missense variant. On other transcripts: 5 prime UTR variant (1).
Genome position (GRCh38, 1-based): chr1:164,559,965, A>G. VCF-style: chr1-164559965-A-G. GRCh37 (hg19) VCF-style: chr1-164529202-A-G.
Other names: c.143A>G, p.Gln48Arg (NM_001204961.2, NM_001204963.2, NM_001353131.2); c.-33A>G (NM_001353130.1); short protein forms Q48R.
Identifiers: ClinVar variation 4806260 (VCV004806260.1).